The following is an entry in ClinVar:

NM_020975.6(RET):c.1427C>G (p.Pro476Arg)

Gene: RET (ret proto-oncogene; plus strand). Cytogenetic location: 10q11.21.
Variant type: single nucleotide variant.
Coding change: c.1427C>G on transcript NM_020975.6 (MANE Select); coding-DNA position 1427, C replaced by G.
Protein change: p.Pro476Arg; replaces proline 476 with arginine.
Molecular consequence: missense variant.
Genome position (GRCh38, 1-based): chr10:43,111,370, C>G. VCF-style: chr10-43111370-C-G. GRCh37 (hg19) VCF-style: chr10-43606818-C-G.
Other names: c.1427C>G, p.Pro476Arg (NM_000323.2, NM_001406743.1, NM_001406744.1 and 6 more transcripts); c.665C>G, p.Pro222Arg (NM_001355216.2); c.1298C>G, p.Pro433Arg (NM_001406761.1, NM_001406762.1, NM_001406764.1 and 1 more transcripts); c.1139C>G, p.Pro380Arg (NM_001406766.1, NM_001406767.1, NM_001406770.1); c.1031C>G, p.Pro344Arg (NM_001406769.1, NM_001406772.1); c.989C>G, p.Pro330Arg (NM_001406771.1, NM_001406773.1); c.902C>G, p.Pro301Arg (NM_001406774.1); c.701C>G, p.Pro234Arg (NM_001406775.1, NM_001406776.1, NM_001406777.1 and 1 more transcripts); and 1 more; short protein forms P476R, P222R, P380R, P301R, P344R, P146R, P234R, P330R.
Identifiers: ClinVar variation 480798 (VCV000480798.16), dbSNP rs762335805, ClinGen allele CA376549554.
Genomic context (GRCh38, chr10:43,111,370, plus strand): 5'-CCTCAGCCGAGGACACCTCGGGGATCCTGTTTGTGAATGACACCAAGGCCCTGCGGCGGC[C>G]CAAGTGTGCCGAACTTCACTACATGGTGGTGGCCACCGACCAGCAGACCTCTAGGCAGGC-3'
Protein context (NP_066124.1, residues 466-486): FVNDTKALRR[Pro476Arg]KCAELHYMVV

ClinVar aggregate classification (germline): Uncertain significance. Review status: criteria provided, multiple submitters, no conflicts (2 of 4 stars). 3 submissions from 3 submitters: Uncertain significance (3). Last evaluated 2025-12-12.

Conditions:
RET-related disorder. Also called: RET-related condition; RET-related disease; RET-related disorders.
Hereditary cancer-predisposing syndrome. Also called: Neoplastic Syndromes, Hereditary; Hereditary Cancer Syndrome; Tumor predisposition; Hereditary neoplastic syndrome. Identifiers: Orphanet 140162, MedGen C0027672, MeSH D009386, MONDO:0015356.
Multiple endocrine neoplasia, type 2 (MEN2). Identifiers: Orphanet 653, MedGen C4048306, MONDO:0019003. Disease mechanism: gain of function.

gnomAD v4.1: 7 of 1,614,026 alleles (0.00043%); highest among the groups gnomAD compares: Non-Finnish European, 0.00059%; no homozygotes.

Submissions (3):

Labcorp Genetics (formerly Invitae), Labcorp
Classification: Uncertain significance for Multiple endocrine neoplasia, type 2. Last evaluated: 2025-12-12. Review status: criteria provided, single submitter. Criteria: Invitae Variant Classification Sherloc (09022015). Collection method: clinical testing. Allele origin: germline.
Comment: This sequence change replaces proline, which is neutral and non-polar, with arginine, which is basic and polar, at codon 476 of the RET protein (p.Pro476Arg). This variant is not present in population databases (gnomAD no frequency). This variant has not been reported in the literature in individuals affected with RET-related conditions. ClinVar contains an entry for this variant (Variation ID: 480798). An algorithm developed to predict the effect of missense changes on protein structure and function (PolyPhen-2) suggests that this variant is likely to be disruptive. In summary, the available evidence is currently insufficient to determine the role of this variant in disease. Therefore, it has been classified as a Variant of Uncertain Significance.

PreventionGenetics, part of Exact Sciences
Classification: Uncertain significance for RET-related condition. Last evaluated: 2025-09-24. Review status: criteria provided, single submitter. Criteria: ACMG Guidelines, 2015. Collection method: clinical testing. Allele origin: germline.
Comment: The RET c.1427C>G variant is predicted to result in the amino acid substitution p.Pro476Arg. To our knowledge, this variant has not been reported in the literature or in a large population database (gnomAD), indicating this variant is rare. At this time, the clinical significance of this variant is uncertain due to the absence of conclusive functional and genetic evidence.

Ambry Genetics
Classification: Uncertain significance for Hereditary cancer-predisposing syndrome. Last evaluated: 2024-04-05. Review status: criteria provided, single submitter. Criteria: Ambry Variant Classification Scheme 2023. Collection method: clinical testing. Allele origin: germline.
Comment: The p.P476R variant (also known as c.1427C>G), located in coding exon 7 of the RET gene, results from a C to G substitution at nucleotide position 1427. The proline at codon 476 is replaced by arginine, an amino acid with dissimilar properties. This amino acid position is well conserved in available vertebrate species. In addition, the in silico prediction for this alteration is inconclusive. Since supporting evidence is limited at this time, the clinical significance of this alteration remains unclear.